The following is an entry in ClinVar:

ClinVar aggregate classification (germline): Uncertain significance (1 of 4 stars; one submission).

Submission:

Labcorp Genetics (formerly Invitae), Labcorp
Classification: Uncertain significance. Last evaluated: 2025-09-03. Review status: criteria provided, single submitter. Criteria: Invitae Variant Classification Sherloc (09022015). Collection method: clinical testing. Allele origin: germline.
Comment: This sequence change creates a premature translational stop signal (p.Trp176Glnfs*4) in the SIAE gene. It is expected to result in an absent or disrupted protein product. However, the current clinical and genetic evidence is not sufficient to establish whether loss-of-function variants in SIAE cause disease. This variant is not present in population databases (gnomAD no frequency). This variant has not been reported in the literature in individuals affected with SIAE-related conditions. In summary, the available evidence is currently insufficient to determine the role of this variant in disease. Therefore, it has been classified as a Variant of Uncertain Significance.

NM_170601.5(SIAE):c.526_541del (p.Trp176fs)

Gene: SIAE (sialic acid acetylesterase; minus strand). Cytogenetic location: 11q24.2.
Variant type: Deletion.
Coding change: c.526_541del on transcript NM_170601.5 (MANE Select); coding-DNA positions 526 to 541, 16 bases deleted (TGGTCTAAGCCCACCT).
Protein change: p.Trp176fs; shifts the reading frame from tryptophan 176.
Molecular consequence: frameshift variant.
Genome position (GRCh38, 1-based): chr11:124,654,658-124,654,673, AGGTGGGCTTAGACCA deleted on the plus strand (TGGTCTAAGCCCACCT on the coding strand, the reverse complement: SIAE is on the minus strand). VCF-style (leftmost placement, unchanged base first): chr11-124654657-GAGGTGGGCTTAGACCA-G. GRCh37 (hg19) VCF-style: chr11-124524553-GAGGTGGGCTTAGACCA-G.
Other names: c.421_436del, p.Trp141fs (NM_001199922.2); short protein forms W141fs, W176fs.
Identifiers: ClinVar variation 4808927 (VCV004808927.1).
Genomic context (GRCh38, chr11:124,654,657, plus strand): 5'-TTCCACTTAGGGCGCTAACCCATTATATAAGAGACAGCACGTTCAAGCCGTCACATACCT[GAGGTGGGCTTAGACCA>G]CTGCAAGTCAACCGCAACAAGGTCCTCCAGCTCCTGCTCTGCTTGAATGGGAGAGACAGA-3'